The following is an entry in ClinVar:

NM_021076.4(NEFH):c.1209-2A>G

Gene: NEFH (neurofilament heavy chain; plus strand). Cytogenetic location: 22q12.2.
Variant type: single nucleotide variant.
Coding change: c.1209-2A>G on transcript NM_021076.4 (MANE Select); the canonical splice acceptor site of the intron before coding-DNA position 1209, A replaced by G.
Molecular consequence: splice acceptor variant.
Genome position (GRCh38, 1-based): chr22:29,488,847, A>G. VCF-style: chr22-29488847-A-G. GRCh37 (hg19) VCF-style: chr22-29884836-A-G.
Identifiers: ClinVar variation 1499447 (VCV001499447.11), dbSNP rs2146399085, ClinGen allele CA411128237.

ClinVar aggregate classification (germline): Uncertain significance. Review status: criteria provided, multiple submitters, no conflicts (2 of 4 stars). 3 submissions from 3 submitters: Uncertain significance (3). Last evaluated 2023-11-09.

Conditions:
Amyotrophic lateral sclerosis type 1 (ALS1). Also called: AMYOTROPHIC LATERAL SCLEROSIS 1, FAMILIAL. Identifiers: Orphanet 803, MedGen C1862939, MONDO:0007103, OMIM 105400.
Charcot-Marie-Tooth disease axonal type 2CC. Also called: CHARCOT-MARIE-TOOTH NEUROPATHY, TYPE 2CC. Identifiers: MedGen C4310790, MONDO:0014836, OMIM 616924.
Inborn genetic diseases. Identifiers: MedGen C0950123, MeSH D030342.

Allele frequency attached by ClinVar (database versions not stated): gnomAD exomes below 0.00001.
gnomAD v4.1: 1 of 1,614,238 alleles (0.000062%); highest among the groups gnomAD compares: Non-Finnish European, 0.000085%; no homozygotes.

Submissions (3):

GeneDx
Classification: Uncertain significance. Last evaluated: 2023-11-09. Review status: criteria provided, single submitter. Criteria: GeneDx Variant Classification Process June 2021. Collection method: clinical testing. Allele origin: germline. Affected: yes.
Comment: Not observed at significant frequency in large population cohorts (gnomAD); Canonical splice site variant in a gene or region of a gene for which loss of function is not a well-established mechanism of disease; Has not been previously published as pathogenic or benign to our knowledge

Labcorp Genetics (formerly Invitae), Labcorp
Classification: Uncertain significance. Last evaluated: 2021-12-10. Review status: criteria provided, single submitter. Criteria: Invitae Variant Classification Sherloc (09022015). Collection method: clinical testing. Allele origin: germline.
Comment: In summary, the available evidence is currently insufficient to determine the role of this variant in disease. Therefore, it has been classified as a Variant of Uncertain Significance. Variants that disrupt the consensus splice site are a relatively common cause of aberrant splicing (PMID: 17576681, 9536098). Algorithms developed to predict the effect of sequence changes on RNA splicing suggest that this variant may disrupt the consensus splice site. This variant has not been reported in the literature in individuals affected with NEFH-related conditions. This variant is not present in population databases (gnomAD no frequency). This sequence change falls in intron 3 of the NEFH gene. It does not directly change the encoded amino acid sequence of the NEFH protein. It affects a nucleotide within the consensus splice site.

Ambry Genetics
Classification: Uncertain significance for Inborn genetic diseases. Last evaluated: 2019-08-28. Review status: criteria provided, single submitter. Criteria: Ambry Variant Classification Scheme 2023. Collection method: clinical testing. Allele origin: germline.
Comment: The c.1209-2A>G intronic variant results from an A to G substitution two nucleotides upstream from coding exon 4 in the NEFH gene. This nucleotide position is highly conserved in available vertebrate species. Using the BDGP and ESEfinder splice site prediction tools, this alteration is predicted to abolish the native splice acceptor site; however, direct evidence is unavailable. Alterations that disrupt the canonical splice site are expected to cause aberrant splicing, resulting in an abnormal protein or a transcript that is subject to nonsense-mediated mRNA decay. However, loss of function of NEFH has not been clearly established as a mechanism of disease. Since supporting evidence is limited at this time, the clinical significance of this alteration remains unclear.

Literature cited by the submitters: PubMed 17576681 (cited by Labcorp Genetics (formerly Invitae), Labcorp); PubMed 9536098 (cited by Labcorp Genetics (formerly Invitae), Labcorp).